The following is an entry in ClinVar:

NM_001005242.3(PKP2):c.1610G>A (p.Gly537Glu)

Gene: PKP2 (plakophilin 2; minus strand). Cytogenetic location: 12p11.21.
Variant type: single nucleotide variant.
Coding change: c.1610G>A on transcript NM_001005242.3 (MANE Select); coding-DNA position 1610, G replaced by A.
Protein change: p.Gly537Glu; replaces glycine 537 with glutamic acid.
Molecular consequence: missense variant.
Genome position (GRCh38, 1-based): chr12:32,824,109, C>T on the plus strand (G>A on the coding strand, the complement: PKP2 is on the minus strand). VCF-style: chr12-32824109-C-T. GRCh37 (hg19) VCF-style: chr12-32977043-C-T.
Other names: c.1742G>A, p.Gly581Glu (NM_004572.4); short protein forms G581E, G537E.
Identifiers: ClinVar variation 229145 (VCV000229145.25), dbSNP rs866789949, ClinGen allele CA10576921.
Genomic context (GRCh38, chr12:32,824,109, plus strand): 5'-TCATCTGGCTGGTAATCTGCAATGGTTCCTCTGACATAATGGACCAGTGAGTCAATGAGT[C>T]CGTCACATCTTCTCATCGCTTTTCTCCCATCAGCGCCAGCAGAACTCATGTTTCTATCAG-3'
Protein context (NP_001005242.2, residues 527-547): DGRKAMRRCD[Gly537Glu]LIDSLVHYVR

ClinVar aggregate classification (germline): Uncertain significance. Review status: criteria provided, multiple submitters, no conflicts (2 of 4 stars). 6 submissions from 6 submitters: Uncertain significance (6). Last evaluated 2026-07-28.

Conditions:
PKP2-related disorder. Also called: PKP2-related condition.
Cardiovascular phenotype. Identifiers: MedGen CN230736.
Arrhythmogenic right ventricular cardiomyopathy (ARVD). Also called: Arrhythmogenic right ventricular dysplasia; Arrhythmogenic cardiomyopathy; Arrhythmogenic Right Ventricular Cardiomyopathy (ARVC); Cardiomyopathy, ARVC. Identifiers: Orphanet 247, MedGen C0349788, MeSH D019571, MONDO:0016587. Disease mechanism: loss of function. Inheritance: Various modes of inheritance.
Cardiomyopathy (CMYO). Also called: Cardiomyopathies. Identifiers: Orphanet 167848, MedGen C0878544, MONDO:0004994, HP:0001638. Inheritance: Various modes of inheritance.
Arrhythmogenic right ventricular dysplasia 9 (ARVD9). Also called: Arrhythmogenic Right Ventricular Dysplasia/Cardiomyopathy 9; ARRHYTHMOGENIC RIGHT VENTRICULAR DYSPLASIA, FAMILIAL, 9. Identifiers: MedGen C1836906, MONDO:0012180, OMIM 609040.

Allele frequency attached by ClinVar (database versions not stated): gnomAD exomes 0.00001 and 0.00004; gnomAD 0.00002; TOPMed 0.00005.
gnomAD v4.1: 62 of 1,613,414 alleles (0.0038%); highest among the groups gnomAD compares: Non-Finnish European, 0.0052%; no homozygotes.

Submissions (6):

PreventionGenetics, part of Exact Sciences
Classification: Uncertain significance for PKP2-related condition. Last evaluated: 2026-07-28. Review status: criteria provided, single submitter. Criteria: ACMG Guidelines, 2015. Collection method: clinical testing. Allele origin: germline.
Comment: The PKP2 c.1742G>A variant is predicted to result in the amino acid substitution p.Gly581Glu. This variant has been reported in individuals with dilated cardiomyopathy or arrhythmogenic right ventricular cardiomyopathy (Online Supplementary File 2, van Lint et al. 2019. PubMed ID: 30847666; Supplementary Tables, Dries et al. 2021. PubMed ID: 34120153). However, it has also been detected in controls (Supplementary Tables, Dries et al. 2021. PubMed ID: 34120153), and it is reported in 0.0026% of alleles in individuals of European (non-Finnish) descent in gnomAD. At this time, the clinical significance of this variant is uncertain due to the absence of conclusive functional and genetic evidence.

Labcorp Genetics (formerly Invitae), Labcorp
Classification: Uncertain significance for Arrhythmogenic right ventricular dysplasia 9. Last evaluated: 2025-09-21. Review status: criteria provided, single submitter. Criteria: Invitae Variant Classification Sherloc (09022015). Collection method: clinical testing. Allele origin: germline.
Comment: This sequence change replaces glycine, which is neutral and non-polar, with glutamic acid, which is acidic and polar, at codon 581 of the PKP2 protein (p.Gly581Glu). This variant is present in population databases (no rsID available, gnomAD 0.003%). This missense change has been observed in individual(s) with dilated cardiomyopathy (PMID: 30847666). ClinVar contains an entry for this variant (Variation ID: 229145). An algorithm developed to predict the effect of missense changes on protein structure and function (PolyPhen-2) suggests that this variant is likely to be disruptive. In summary, the available evidence is currently insufficient to determine the role of this variant in disease. Therefore, it has been classified as a Variant of Uncertain Significance.

Color Diagnostics, LLC DBA Color Health
Classification: Uncertain significance for Cardiomyopathy. Last evaluated: 2025-09-04. Review status: criteria provided, single submitter. Criteria: ACMG Guidelines, 2015. Collection method: clinical testing. Allele origin: germline.
Comment: This missense variant replaces glycine with glutamic acid at codon 581 of the PKP2 protein. Computational prediction suggests that this variant may have deleterious impact on protein structure and function. To our knowledge, functional studies have not been reported for this variant. This variant has been reported in two individuals affected with dilated cardiomyopathy (PMID: 30847666). This variant has been identified in 3/251200 chromosomes in the general population by the Genome Aggregation Database (gnomAD). The available evidence is insufficient to determine the role of this variant in disease conclusively. Therefore, this variant is classified as a Variant of Uncertain Significance.

Ambry Genetics
Classification: Uncertain significance for Cardiovascular phenotype. Last evaluated: 2024-11-12. Review status: criteria provided, single submitter. Criteria: Ambry Variant Classification Scheme 2023. Collection method: clinical testing. Allele origin: germline.
Comment: The p.G581E variant (also known as c.1742G>A), located in coding exon 8 of the PKP2 gene, results from a G to A substitution at nucleotide position 1742. The glycine at codon 581 is replaced by glutamic acid, an amino acid with similar properties. This variant was detected in a cardiomyopathy/arrhythmia genetic testing cohort; however, clinical details were limited, and additional cardiac variants were detected in some cases (van Lint FHM et al. Neth Heart J, 2019 Jun;27:304-309). This amino acid position is well conserved in available vertebrate species. In addition, the in silico prediction for this alteration is inconclusive. Since supporting evidence is limited at this time, the clinical significance of this alteration remains unclear.

All of Us Research Program, National Institutes of Health
Classification: Uncertain significance for Arrhythmogenic right ventricular cardiomyopathy. Last evaluated: 2024-09-02. Review status: criteria provided, single submitter. Criteria: ACMG Guidelines, 2015. Collection method: clinical testing. Allele origin: germline. Inheritance: Autosomal dominant inheritance. Observed: 10 variant alleles, 10 heterozygotes.
Comment: Variant of Uncertain Significance due to insufficient evidence: This missense variant is located in the armadillo repeat 5 of the PKP2 protein. Computational prediction tools and conservation analyses suggest that this variant may have deleterious impact on the protein function. Computational splicing tools suggest that this variant may not impact RNA splicing. To our knowledge, functional assays have not been performed for this variant nor has this variant been reported in individuals affected with cardiovascular disorders in the literature. This variant has been identified in 3/245962 chromosomes in the general population by the Genome Aggregation Database (gnomAD). Available evidence is insufficient to determine the pathogenicity of this variant conclusively.

This study involves interpretation of variants in research participants for the purpose of population health screening. Participant phenotype was not available at the time of variant classification. Additional details can be found in publication PMID: 35346344, PMCID: PMC8962531

Laboratory for Molecular Medicine, Mass General Brigham Personalized Medicine
Classification: Uncertain significance. Last evaluated: 2015-12-04. Review status: criteria provided, single submitter. Criteria: LMM Criteria. Collection method: clinical testing. Allele origin: germline. Observed: 1 variant allele.
Comment: The p.Gly581Glu variant in PKP2 has not been previously reported in individuals with cardiomyopathy or in large population studies. Computational prediction too ls and conservation analysis suggest that the p.Gly581Glu variant may impact the protein, though this information is not predictive enough to determine pathogen icity. In summary, the clinical significance of the p.Gly581Glu variant is uncer tain.

Literature cited by the submitters: PubMed 30847666 (cited by 3 submitters).